The following is an entry in ClinVar:

ClinVar aggregate classification (germline): Uncertain significance (1 of 4 stars; one submission).

Submission:

Labcorp Genetics (formerly Invitae), Labcorp
Classification: Uncertain significance. Last evaluated: 2022-09-09. Review status: criteria provided, single submitter. Criteria: Invitae Variant Classification Sherloc (09022015). Collection method: clinical testing. Allele origin: germline.
Comment: In summary, the available evidence is currently insufficient to determine the role of this variant in disease. Therefore, it has been classified as a Variant of Uncertain Significance. Algorithms developed to predict the effect of missense changes on protein structure and function output the following: SIFT: "Tolerated"; PolyPhen-2: "Benign"; Align-GVGD: "Class C0". The isoleucine amino acid residue is found in multiple mammalian species, which suggests that this missense change does not adversely affect protein function. This variant has not been reported in the literature in individuals affected with ASXL1-related conditions. This variant is not present in population databases (gnomAD no frequency). This sequence change replaces threonine, which is neutral and polar, with isoleucine, which is neutral and non-polar, at codon 1018 of the ASXL1 protein (p.Thr1018Ile).

NM_015338.6(ASXL1):c.3053C>T (p.Thr1018Ile)

Gene: ASXL1 (ASXL transcriptional regulator 1; plus strand). Cytogenetic location: 20q11.21.
Variant type: single nucleotide variant.
Coding change: c.3053C>T on transcript NM_015338.6 (MANE Select); coding-DNA position 3053, C replaced by T.
Protein change: p.Thr1018Ile; replaces threonine 1018 with isoleucine.
Molecular consequence: missense variant.
Genome position (GRCh38, 1-based): chr20:32,435,765, C>T. VCF-style: chr20-32435765-C-T. GRCh37 (hg19) VCF-style: chr20-31023568-C-T.
Other names: c.2870C>T, p.Thr957Ile (NM_001363734.1); short protein forms T957I, T1018I.
Identifiers: ClinVar variation 1926004 (VCV001926004.5), dbSNP rs527562446, ClinGen allele CA313926335.